The following is an entry in ClinVar:

ClinVar aggregate classification (germline): Uncertain significance (1 of 4 stars; one submission).

Conditions:
Cardiovascular phenotype. Identifiers: MedGen CN230736.

gnomAD v4.1: 1 of 1,612,016 alleles (0.000062%); highest among the groups gnomAD compares: Non-Finnish European, 0.000085%; no homozygotes.

Submission:

Ambry Genetics
Classification: Uncertain significance for Cardiovascular phenotype. Last evaluated: 2025-12-11. Review status: criteria provided, single submitter. Criteria: Ambry Variant Classification Scheme 2023. Collection method: clinical testing. Allele origin: germline.
Comment: The p.T577I variant (also known as c.1730C>T), located in coding exon 17 of the EYA4 gene, results from a C to T substitution at nucleotide position 1730. The threonine at codon 577 is replaced by isoleucine, an amino acid with similar properties. This amino acid position is conserved. In addition, this alteration is predicted to be deleterious by in silico analysis. Based on the available evidence, the clinical significance of this variant remains unclear.

NM_004100.5(EYA4):c.1730C>T (p.Thr577Ile)

Genes: EYA4 (EYA transcriptional coactivator and phosphatase 4; plus strand), TARID (TCF21 antisense RNA inducing promoter demethylation; minus strand). Cytogenetic location: 6q23.2.
Variant type: single nucleotide variant.
Coding change: c.1730C>T on transcript NM_004100.5 (MANE Select); coding-DNA position 1730, C replaced by T.
Protein change: p.Thr577Ile; replaces threonine 577 with isoleucine.
Molecular consequence: missense variant.
Genome position (GRCh38, 1-based): chr6:133,523,169, C>T. VCF-style: chr6-133523169-C-T. GRCh37 (hg19) VCF-style: chr6-133844307-C-T.
Other names: c.1568C>T, p.Thr523Ile (NM_001301012.2); c.1748C>T, p.Thr583Ile (NM_001301013.2); c.1661C>T, p.Thr554Ile (NM_001370458.1, NM_172103.4); c.1586C>T, p.Thr529Ile (NM_001370459.1); c.1730C>T, p.Thr577Ile (NM_172105.4); short protein forms T554I, T577I, T523I, T529I, T583I.
Identifiers: ClinVar variation 4614164 (VCV004614164.1).